The following is an entry in ClinVar:

ClinVar aggregate classification (germline): Uncertain significance (1 of 4 stars; one submission).

Allele frequency attached by ClinVar (database versions not stated): gnomAD exomes below 0.00001; gnomAD 0.00001; TOPMed 0.00001.
gnomAD v4.1: 4 of 1,612,144 alleles (0.00025%); highest among the groups gnomAD compares: Non-Finnish European, 0.00034%; no homozygotes.

Submission:

Labcorp Genetics (formerly Invitae), Labcorp
Classification: Uncertain significance. Last evaluated: 2024-10-29. Review status: criteria provided, single submitter. Criteria: Invitae Variant Classification Sherloc (09022015). Collection method: clinical testing. Allele origin: germline.
Comment: This sequence change replaces glycine, which is neutral and non-polar, with glutamic acid, which is acidic and polar, at codon 877 of the ADAMTSL4 protein (p.Gly877Glu). This variant is not present in population databases (gnomAD no frequency). This variant has not been reported in the literature in individuals affected with ADAMTSL4-related conditions. ClinVar contains an entry for this variant (Variation ID: 1362313). Invitae Evidence Modeling of protein sequence and biophysical properties (such as structural, functional, and spatial information, amino acid conservation, physicochemical variation, residue mobility, and thermodynamic stability) indicates that this missense variant is not expected to disrupt ADAMTSL4 protein function with a negative predictive value of 80%. In summary, the available evidence is currently insufficient to determine the role of this variant in disease. Therefore, it has been classified as a Variant of Uncertain Significance.

NM_019032.6(ADAMTSL4):c.2630G>A (p.Gly877Glu)

Gene: ADAMTSL4 (ADAMTS like 4; plus strand). Cytogenetic location: 1q21.2.
Variant type: single nucleotide variant.
Coding change: c.2630G>A on transcript NM_019032.6 (MANE Select); coding-DNA position 2630, G replaced by A.
Protein change: p.Gly877Glu; replaces glycine 877 with glutamic acid.
Molecular consequence: missense variant.
Genome position (GRCh38, 1-based): chr1:150,559,032, G>A. VCF-style: chr1-150559032-G-A. GRCh37 (hg19) VCF-style: chr1-150531508-G-A.
Other names: c.2513G>A, p.Gly838Glu (NM_001288607.2); c.2699G>A, p.Gly900Glu (NM_001288608.2); c.2630G>A, p.Gly877Glu (NM_001378596.1); short protein forms G877E, G900E, G838E.
Identifiers: ClinVar variation 1362313 (VCV001362313.5), dbSNP rs1246955842, ClinGen allele CA342315865.